The following is an entry in ClinVar:

NM_001040108.2(MLH3):c.3074A>G (p.Glu1025Gly)

Gene: MLH3 (mutL homolog 3; minus strand). Cytogenetic location: 14q24.3.
Variant type: single nucleotide variant.
Coding change: c.3074A>G on transcript NM_001040108.2 (MANE Select); coding-DNA position 3074, A replaced by G.
Protein change: p.Glu1025Gly; replaces glutamic acid 1025 with glycine.
Molecular consequence: missense variant.
Genome position (GRCh38, 1-based): chr14:75,046,582, T>C on the plus strand (A>G on the coding strand, the complement: MLH3 is on the minus strand). VCF-style: chr14-75046582-T-C. GRCh37 (hg19) VCF-style: chr14-75513285-T-C.
Other names: c.3074A>G, p.Glu1025Gly (NM_014381.3); short protein forms E1025G.
Identifiers: ClinVar variation 1727286 (VCV001727286.2), dbSNP rs2503254552, ClinGen allele CA390436531.

ClinVar aggregate classification (germline): Uncertain significance (1 of 4 stars; one submission).

Allele frequency attached by ClinVar (database versions not stated): gnomAD exomes below 0.00001.
gnomAD v4.1: 1 of 1,614,202 alleles (0.000062%); highest among the groups gnomAD compares: Non-Finnish European, 0.000085%; no homozygotes.

Submission:

Ambry Genetics
Classification: Uncertain significance. Last evaluated: 2022-07-24. Review status: criteria provided, single submitter. Criteria: Ambry Variant Classification Scheme 2023. Collection method: clinical testing. Allele origin: germline.
Comment: The p.E1025G variant (also known as c.3074A>G), located in coding exon 1 of the MLH3 gene, results from an A to G substitution at nucleotide position 3074. The glutamic acid at codon 1025 is replaced by glycine, an amino acid with similar properties. This amino acid position is conserved. In addition, this alteration is predicted to be tolerated by in silico analysis. Since supporting evidence is limited at this time, the clinical significance of this alteration remains unclear.